The following is an entry in ClinVar:

NM_212482.4(FN1):c.3887T>C (p.Ile1296Thr)

Gene: FN1 (fibronectin 1; minus strand). Cytogenetic location: 2q35.
Variant type: single nucleotide variant.
Coding change: c.3887T>C on transcript NM_212482.4 (MANE Select); coding-DNA position 3887, T replaced by C.
Protein change: p.Ile1296Thr; replaces isoleucine 1296 with threonine.
Molecular consequence: missense variant. On other transcripts: intron variant (10).
Genome position (GRCh38, 1-based): chr2:215,393,113, A>G on the plus strand (T>C on the coding strand, the complement: FN1 is on the minus strand). VCF-style: chr2-215393113-A-G. GRCh37 (hg19) VCF-style: chr2-216257836-A-G.
Other names: c.3887T>C (NM_212482.1); c.3887T>C, p.Ile1296Thr (NM_001306129.2, NM_001306130.2, NM_001365517.2 and 3 more transcripts); c.3797-1299T>C (NM_212474.3, NM_001306132.2, NM_001365523.2 and 7 more transcripts); short protein forms I1296T.
Identifiers: ClinVar variation 1026033 (VCV001026033.10), dbSNP rs780445850, ClinGen allele CA2094587.

ClinVar aggregate classification (germline): Uncertain significance. Review status: criteria provided, multiple submitters, no conflicts (2 of 4 stars). 2 submissions from 2 submitters: Uncertain significance (2). Last evaluated 2025-08-14.

Conditions:
Inborn genetic diseases. Identifiers: MedGen C0950123, MeSH D030342.

Allele frequency attached by ClinVar (database versions not stated): gnomAD 0.00001; gnomAD exomes 0.00001 and 0.00002; ExAC 0.00002; TOPMed 0.00004.
gnomAD v4.1: 25 of 1,613,986 alleles (0.0015%); highest among the groups gnomAD compares: Non-Finnish European, 0.002%; no homozygotes.

Submissions (2):

Ambry Genetics
Classification: Uncertain significance for Inborn genetic diseases. Last evaluated: 2025-08-14. Review status: criteria provided, single submitter. Criteria: Ambry Variant Classification Scheme 2023. Collection method: clinical testing. Allele origin: germline.

Labcorp Genetics (formerly Invitae), Labcorp
Classification: Uncertain significance. Last evaluated: 2025-03-22. Review status: criteria provided, single submitter. Criteria: Invitae Variant Classification Sherloc (09022015). Collection method: clinical testing. Allele origin: germline.
Comment: This sequence change replaces isoleucine, which is neutral and non-polar, with threonine, which is neutral and polar, at codon 1296 of the FN1 protein (p.Ile1296Thr). This variant is present in population databases (rs780445850, gnomAD 0.002%). This variant has not been reported in the literature in individuals affected with FN1-related conditions. ClinVar contains an entry for this variant (Variation ID: 1026033). An algorithm developed to predict the effect of missense changes on protein structure and function (PolyPhen-2) suggests that this variant is likely to be disruptive. In summary, the available evidence is currently insufficient to determine the role of this variant in disease. Therefore, it has been classified as a Variant of Uncertain Significance.